The following is an entry in ClinVar:

NM_173689.7(CRB2):c.2954C>T (p.Ala985Val)

Gene: CRB2 (crumbs cell polarity complex component 2; plus strand). Cytogenetic location: 9q33.3.
Variant type: single nucleotide variant.
Coding change: c.2954C>T on transcript NM_173689.7 (MANE Select); coding-DNA position 2954, C replaced by T.
Protein change: p.Ala985Val; replaces alanine 985 with valine.
Molecular consequence: missense variant. On other transcripts: non-coding transcript variant (1).
Genome position (GRCh38, 1-based): chr9:123,373,485, C>T. VCF-style: chr9-123373485-C-T. GRCh37 (hg19) VCF-style: chr9-126135764-C-T.
Other names: short protein forms A985V.
Identifiers: ClinVar variation 2276780 (VCV002276780.3), dbSNP rs1229158090, ClinGen allele CA374867748.

ClinVar aggregate classification (germline): Uncertain significance. Review status: criteria provided, multiple submitters, no conflicts (2 of 4 stars). 2 submissions from 2 submitters: Uncertain significance (2). Last evaluated 2026-01-18.

Conditions:
Inborn genetic diseases. Identifiers: MedGen C0950123, MeSH D030342.

Allele frequency attached by ClinVar (database versions not stated): gnomAD 0.00001; TOPMed 0.00001.
gnomAD v4.1: 10 of 1,448,214 alleles (0.00069%); highest among the groups gnomAD compares: African/African-American, 0.003%; no homozygotes.

Submissions (2):

Labcorp Genetics (formerly Invitae), Labcorp
Classification: Uncertain significance. Last evaluated: 2026-01-18. Review status: criteria provided, single submitter. Criteria: Invitae Variant Classification Sherloc (09022015). Collection method: clinical testing. Allele origin: germline.
Comment: This sequence change replaces alanine, which is neutral and non-polar, with valine, which is neutral and non-polar, at codon 985 of the CRB2 protein (p.Ala985Val). This variant is present in population databases (no rsID available, gnomAD 0.01%). This variant has not been reported in the literature in individuals affected with CRB2-related conditions. ClinVar contains an entry for this variant (Variation ID: 2276780). Invitae Evidence Modeling of protein sequence and biophysical properties (such as structural, functional, and spatial information, amino acid conservation, physicochemical variation, residue mobility, and thermodynamic stability) indicates that this missense variant is not expected to disrupt CRB2 protein function with a negative predictive value of 80%. In summary, the available evidence is currently insufficient to determine the role of this variant in disease. Therefore, it has been classified as a Variant of Uncertain Significance.

Ambry Genetics
Classification: Uncertain significance for Inborn genetic diseases. Last evaluated: 2022-02-10. Review status: criteria provided, single submitter. Criteria: Ambry Variant Classification Scheme 2023. Collection method: clinical testing. Allele origin: germline.